The following is an entry in ClinVar:

ClinVar aggregate classification (germline): Uncertain significance (1 of 4 stars; one submission).

Conditions:
Distal hereditary motor neuropathy type 2. Identifiers: Orphanet 139525, MedGen C3711384, MeSH C580044, MONDO:0015352.

Allele frequency attached by ClinVar (database versions not stated): TOPMed below 0.00001.

Submission:

Labcorp Genetics (formerly Invitae), Labcorp
Classification: Uncertain significance for Distal hereditary motor neuropathy type 2. Last evaluated: 2024-12-02. Review status: criteria provided, single submitter. Criteria: Invitae Variant Classification Sherloc (09022015). Collection method: clinical testing. Allele origin: germline.
Comment: This sequence change replaces alanine, which is neutral and non-polar, with serine, which is neutral and polar, at codon 92 of the FBXO38 protein (p.Ala92Ser). This variant is not present in population databases (gnomAD no frequency). This variant has not been reported in the literature in individuals affected with FBXO38-related conditions. ClinVar contains an entry for this variant (Variation ID: 2120087). Invitae Evidence Modeling of protein sequence and biophysical properties (such as structural, functional, and spatial information, amino acid conservation, physicochemical variation, residue mobility, and thermodynamic stability) indicates that this missense variant is not expected to disrupt FBXO38 protein function with a negative predictive value of 80%. In summary, the available evidence is currently insufficient to determine the role of this variant in disease. Therefore, it has been classified as a Variant of Uncertain Significance.

NM_205836.3(FBXO38):c.274G>T (p.Ala92Ser)

Gene: FBXO38 (F-box protein 38; plus strand). Cytogenetic location: 5q32.
Variant type: single nucleotide variant.
Coding change: c.274G>T on transcript NM_205836.3 (MANE Select); coding-DNA position 274, G replaced by T.
Protein change: p.Ala92Ser; replaces alanine 92 with serine.
Molecular consequence: missense variant.
Genome position (GRCh38, 1-based): chr5:148,401,993, G>T. VCF-style: chr5-148401993-G-T. GRCh37 (hg19) VCF-style: chr5-147781556-G-T.
Other names: c.274G>T, p.Ala92Ser (NM_001271723.2, NM_030793.5); short protein forms A92S.
Identifiers: ClinVar variation 2120087 (VCV002120087.4), dbSNP rs916170099, ClinGen allele CA128968588.
Genomic context (GRCh38, chr5:148,401,993, plus strand): 5'-TAATGAACAGAAAGATGAACCTGGCTCTAAATACTTCTGAACTTCTCAGGCTTTACAGAT[G>T]CCAGTTTTCTAACACTATTAAAGAAGATGCCAGATGTTGAACAGCTATATGGCCTTCACC-3'
Protein context (NP_995308.1, residues 82-102): WEYMPSGFTD[Ala92Ser]SFLTLLKKMP